The following is an entry in ClinVar:

ClinVar aggregate classification (germline): Likely benign (1 of 4 stars; one submission).

Allele frequency attached by ClinVar (database versions not stated): gnomAD exomes below 0.00001 and 0.00001; TOPMed below 0.00001; gnomAD 0.00001.
gnomAD v4.1: 2 of 1,587,428 alleles (0.00013%); highest among the groups gnomAD compares: Non-Finnish European, 0.00017%; no homozygotes.

Submission:

Laboratory for Molecular Medicine, Mass General Brigham Personalized Medicine
Classification: Likely benign. Last evaluated: 2019-02-12. Review status: criteria provided, single submitter. Criteria: LMM Criteria. Collection method: clinical testing. Allele origin: germline. Observed: 1 variant allele.
Comment: The p.Gly575Gly variant in WHRN is classified as likely benign because it does not alter an amino acid residue, it is not located within the splice consensus sequence, and splice prediction algorithms do not predict a newly created splice site. It has been identified in 0.001% (1/85766) of European chromosomes by gnomAD. ACMG/AMP Criteria applied: BP4, BP7.

NM_015404.4(WHRN):c.1725G>A (p.Gly575=)

Gene: WHRN (whirlin; minus strand). Cytogenetic location: 9q32.
Variant type: single nucleotide variant.
Coding change: c.1725G>A on transcript NM_015404.4 (MANE Select); coding-DNA position 1725, G replaced by A.
Protein change: p.Gly575=; no amino-acid change (glycine 575 retained).
Molecular consequence: synonymous variant.
Genome position (GRCh38, 1-based): chr9:114,406,866, C>T on the plus strand (G>A on the coding strand, the complement: WHRN is on the minus strand). VCF-style: chr9-114406866-C-T. GRCh37 (hg19) VCF-style: chr9-117169146-C-T.
Other names: c.576G>A, p.Gly192= (NM_001083885.3); c.1725G>A, p.Gly575= (NM_001173425.2); c.672G>A, p.Gly224= (NM_001346890.1).
Identifiers: ClinVar variation 666785 (VCV000666785.5), dbSNP rs1333495064, ClinGen allele CA466912135.